The following is an entry in ClinVar:

NM_021971.4(GMPPB):c.1027G>A (p.Val343Met)

Gene: GMPPB (GDP-mannose pyrophosphorylase B; minus strand). Cytogenetic location: 3p21.31.
Variant type: single nucleotide variant.
Coding change: c.1027G>A on transcript NM_021971.4 (MANE Select); coding-DNA position 1027, G replaced by A.
Protein change: p.Val343Met; replaces valine 343 with methionine.
Molecular consequence: missense variant.
Genome position (GRCh38, 1-based): chr3:49,721,808, C>T on the plus strand (G>A on the coding strand, the complement: GMPPB is on the minus strand). VCF-style: chr3-49721808-C-T. GRCh37 (hg19) VCF-style: chr3-49759241-C-T.
Other names: c.1108G>A, p.Val370Met (NM_013334.4); short protein forms V370M, V343M.
Identifiers: ClinVar variation 1918668 (VCV001918668.5), dbSNP rs1409825474, ClinGen allele CA352826044.

ClinVar aggregate classification (germline): Uncertain significance (1 of 4 stars; one submission).

Conditions:
Muscular dystrophy-dystroglycanopathy (congenital with impaired intellectual development), type B, 14. Also called: Muscular dystrophy-dystroglycanopathy (congenital with intellectual disability), type B14; Congenital muscular dystrophy-dystroglycanopathy with mental retardation, type B14; MUSCULAR DYSTROPHY, CONGENITAL, GMPPB-RELATED. Identifiers: MedGen C3809221, MONDO:0014141, OMIM 615351.
Muscular dystrophy-dystroglycanopathy (congenital with brain and eye anomalies), type A14. Also called: Congenital Muscular Dystrophy-Dystroglycanopathy with Brain and Eye Anomalies Type A 14; Congenital muscular dystrophy-dystroglycanopathy with brain and eye anomalies, type A14; Muscular dystrophy-dystroglycanopathy (congenital with brain and eye anomalies), type a, 14; WALKER-WARBURG SYNDROME OR MUSCLE-EYE-BRAIN DISEASE, GMPPB-RELATED. Identifiers: Orphanet 588, MedGen C3809216, MONDO:0014140, OMIM 615350.
Autosomal recessive limb-girdle muscular dystrophy type 2T. Also called: Limb-girdle muscular dystrophy-dystroglycanopathy, type C14; Muscular dystrophy-dystroglycanopathy (limb-girdle), type c, 14; MUSCULAR DYSTROPHY-DYSTROGLYCANOPATHY, LIMB-GIRDLE, GMPPB-RELATED; MUSCULAR DYSTROPHY, LIMB-GIRDLE, TYPE 2T. Identifiers: Orphanet 363623, MedGen C4518000, MONDO:0014142, OMIM 615352.

Allele frequency attached by ClinVar (database versions not stated): gnomAD 0.00001.

Submission:

Labcorp Genetics (formerly Invitae), Labcorp
Classification: Uncertain significance for Autosomal recessive limb-girdle muscular dystrophy type 2T; Muscular dystrophy-dystroglycanopathy (congenital with brain and eye anomalies), type A14; Muscular dystrophy-dystroglycanopathy (congenital with impaired intellectual development), type B, 14. Last evaluated: 2024-03-11. Review status: criteria provided, single submitter. Criteria: Invitae Variant Classification Sherloc (09022015). Collection method: clinical testing. Allele origin: germline.
Comment: This sequence change replaces valine, which is neutral and non-polar, with methionine, which is neutral and non-polar, at codon 343 of the GMPPB protein (p.Val343Met). This variant is present in population databases (no rsID available, gnomAD 0.01%). This variant has not been reported in the literature in individuals affected with GMPPB-related conditions. ClinVar contains an entry for this variant (Variation ID: 1918668). An algorithm developed to predict the effect of missense changes on protein structure and function (PolyPhen-2) suggests that this variant is likely to be disruptive. In summary, the available evidence is currently insufficient to determine the role of this variant in disease. Therefore, it has been classified as a Variant of Uncertain Significance.